The following is an entry in ClinVar:

ClinVar aggregate classification (germline): Uncertain significance (1 of 4 stars; one submission).

Conditions:
Hereditary cancer-predisposing syndrome. Also called: Hereditary neoplastic syndrome; Neoplastic Syndromes, Hereditary; Tumor predisposition; Hereditary Cancer Syndrome. Identifiers: Orphanet 140162, MedGen C0027672, MeSH D009386, MONDO:0015356.

Submission:

Ambry Genetics
Classification: Uncertain significance for Hereditary cancer-predisposing syndrome. Last evaluated: 2025-02-01. Review status: criteria provided, single submitter. Criteria: Ambry Variant Classification Scheme 2023. Collection method: clinical testing. Allele origin: germline.
Comment: The p.N738D variant (also known as c.2212A>G), located in coding exon 15 of the CTNNA1 gene, results from an A to G substitution at nucleotide position 2212. The asparagine at codon 738 is replaced by aspartic acid, an amino acid with highly similar properties. This amino acid position is conserved. In addition, this alteration is predicted to be tolerated by in silico analysis. Based on the available evidence, the clinical significance of this variant remains unclear.

NM_001903.5(CTNNA1):c.2212A>G (p.Asn738Asp)

Gene: CTNNA1 (catenin alpha 1; plus strand). Cytogenetic location: 5q31.2.
Variant type: single nucleotide variant.
Coding change: c.2212A>G on transcript NM_001903.5 (MANE Select); coding-DNA position 2212, A replaced by G.
Protein change: p.Asn738Asp; replaces asparagine 738 with aspartic acid.
Molecular consequence: missense variant.
Genome position (GRCh38, 1-based): chr5:138,930,849, A>G. VCF-style: chr5-138930849-A-G. GRCh37 (hg19) VCF-style: chr5-138266538-A-G.
Other names: c.2212A>G, p.Asn738Asp (NM_001290307.3, NM_001323982.2, NM_001323983.1 and 2 more transcripts); c.1903A>G, p.Asn635Asp (NM_001290309.3); c.1843A>G, p.Asn615Asp (NM_001290310.3); c.1102A>G, p.Asn368Asp (NM_001290312.1, NM_001323987.1, NM_001323988.1 and 17 more transcripts); c.2119A>G, p.Asn707Asp (NM_001323986.2); c.763A>G, p.Asn255Asp (NM_001324006.1, NM_001324007.1, NM_001324008.1 and 2 more transcripts); c.1009A>G, p.Asn337Asp (NM_001324011.1); c.859A>G, p.Asn287Asp (NM_001324012.1, NM_001324013.1); short protein forms N635D, N738D, N255D, N287D, N337D, N368D, N615D, N707D.
Identifiers: ClinVar variation 3837178 (VCV003837178.1).